The following is an entry in ClinVar:

ClinVar aggregate classification (germline): Likely benign (1 of 4 stars; one submission).

Submission:

CeGaT Center for Human Genetics Tuebingen
Classification: Likely benign. Last evaluated: 2026-03-01. Review status: criteria provided, single submitter. Criteria: CeGaT Center For Human Genetics Tuebingen Variant Classification Criteria Version 2. Collection method: clinical testing. Allele origin: germline. Affected: yes. Observed: 1 variant allele.
Comment: LARS2: PM2:Supporting, BP4, BP7

NM_015340.4(LARS2):c.1737T>C (p.His579=)

Genes: LARS2 (leucyl-tRNA synthetase 2, mitochondrial; plus strand), LARS2-AS1 (LARS2 antisense RNA 1; minus strand). Cytogenetic location: 3p21.31.
Variant type: single nucleotide variant.
Coding change: c.1737T>C on transcript NM_015340.4 (MANE Select); coding-DNA position 1737, T replaced by C.
Protein change: p.His579=; no amino-acid change (histidine 579 retained).
Molecular consequence: synonymous variant.
Genome position (GRCh38, 1-based): chr3:45,500,556, T>C. VCF-style: chr3-45500556-T-C. GRCh37 (hg19) VCF-style: chr3-45542048-T-C.
Other names: c.1737T>C, p.His579= (NM_001368263.1).
Identifiers: ClinVar variation 4823133 (VCV004823133.4).